The following is an entry in ClinVar:

NM_021830.5(TWNK):c.1022G>A (p.Arg341His)

Gene: TWNK (twinkle mtDNA helicase; plus strand). Cytogenetic location: 10q24.31.
Variant type: single nucleotide variant.
Coding change: c.1022G>A on transcript NM_021830.5 (MANE Select); coding-DNA position 1022, G replaced by A.
Protein change: p.Arg341His; replaces arginine 341 with histidine.
Molecular consequence: missense variant. On other transcripts: non-coding transcript variant (4), intron variant (3).
Genome position (GRCh38, 1-based): chr10:100,989,232, G>A. VCF-style: chr10-100989232-G-A. GRCh37 (hg19) VCF-style: chr10-102748989-G-A.
Other names: p.Arg341His; c.1022G>A, p.Arg341His (NM_001163812.2); c.-119-412G>A (NM_001163814.2, NM_001163813.2); c.-57-474G>A (NM_001368275.1); short protein forms R341H.
Identifiers: ClinVar variation 452091 (VCV000452091.4), dbSNP rs764350676, ClinGen allele CA5653150.

ClinVar aggregate classification (germline): Uncertain significance. Review status: criteria provided, multiple submitters, no conflicts (2 of 4 stars). 3 submissions from 3 submitters: Uncertain significance (3). Last evaluated 2025-09-24.

Allele frequency attached by ClinVar (database versions not stated): gnomAD exomes below 0.00001 and 0.00001; TOPMed below 0.00001; ExAC 0.00001.
gnomAD v4.1: 7 of 1,614,132 alleles (0.00043%); highest among the groups gnomAD compares: Admixed American, 0.0017%; no homozygotes.

Submissions (3):

Mayo Clinic Laboratories, Mayo Clinic
Classification: Uncertain significance. Last evaluated: 2025-09-24. Review status: criteria provided, single submitter. Criteria: ACMG Guidelines, 2015. Collection method: clinical testing. Allele origin: germline. Observed: 1 variant allele.
Comment: PM2_supporting

Labcorp Genetics (formerly Invitae), Labcorp
Classification: Uncertain significance. Last evaluated: 2025-08-15. Review status: criteria provided, single submitter. Criteria: Invitae Variant Classification Sherloc (09022015). Collection method: clinical testing. Allele origin: germline.
Comment: This sequence change replaces arginine, which is basic and polar, with histidine, which is basic and polar, at codon 341 of the TWNK protein (p.Arg341His). This variant is present in population databases (rs764350676, gnomAD 0.003%). This variant has not been reported in the literature in individuals affected with TWNK-related conditions. ClinVar contains an entry for this variant (Variation ID: 452091). Invitae Evidence Modeling of protein sequence and biophysical properties (such as structural, functional, and spatial information, amino acid conservation, physicochemical variation, residue mobility, and thermodynamic stability) indicates that this missense variant is expected to disrupt TWNK protein function with a positive predictive value of 95%. In summary, the available evidence is currently insufficient to determine the role of this variant in disease. Therefore, it has been classified as a Variant of Uncertain Significance.

GeneDx
Classification: Uncertain significance. Last evaluated: 2017-09-15. Review status: criteria provided, single submitter. Criteria: GeneDx Variant Classification (06012015). Collection method: clinical testing. Allele origin: germline. Affected: yes.
Comment: The R341H variant has not been published as a pathogenic variant, nor has it been reported as a benign variant to our knowledge. The R341H variant is observed in 1/11578 (0.01%) alleles from individuals of Latino background, in large population cohorts (Lek et al., 2016; 1000 Genomes Consortium et al., 2015; Exome Variant Server). The R341H variant is a conservative amino acid substitution, which is not likely to impact secondary protein structure as these residues share similar properties. This substitution occurs at a position that is not conserved. In silico analysis predicts this variant likely does not alter the protein structure/function. In summary, based on the currently available information, it is unclear whether this variant is a pathogenic variant or a rare benign variant.